The following is an entry in ClinVar:

NM_031407.7(HUWE1):c.12293A>G (p.His4098Arg)

Gene: HUWE1 (HECT, UBA and WWE domain containing E3 ubiquitin protein ligase 1; minus strand). Cytogenetic location: Xp11.22.
Variant type: single nucleotide variant.
Coding change: c.12293A>G on transcript NM_031407.7 (MANE Select); coding-DNA position 12293, A replaced by G.
Protein change: p.His4098Arg; replaces histidine 4098 with arginine.
Molecular consequence: missense variant.
Genome position (GRCh38, 1-based): chrX:53,536,512, T>C on the plus strand (A>G on the coding strand, the complement: HUWE1 is on the minus strand). VCF-style: chrX-53536512-T-C. GRCh37 (hg19) VCF-style: chrX-53563473-T-C.
Other names: short protein forms H4098R.
Identifiers: ClinVar variation 1526107 (VCV001526107.1), dbSNP rs2146879830, ClinGen allele CA413150895.

ClinVar aggregate classification (germline): Uncertain significance (1 of 4 stars; one submission).

Conditions:
Intellectual developmental disorder, X-linked, syndromic, Turner type. Also called: Intellectual disability, X-linked syndromic, Turner type; X-linked intellectual disability, Turner type. Identifiers: Orphanet 3056, Orphanet 85328, MedGen C2678046, MONDO:0010407, OMIM 309590.

Submission:

3billion
Classification: Uncertain significance for Intellectual developmental disorder, X-linked, syndromic, Turner type. Last evaluated: 2022-03-22. Review status: criteria provided, single submitter. Criteria: ACMG Guidelines, 2015. Collection method: clinical testing. Allele origin: germline. Affected: yes. Observed: 1 hemizygote.
Comment: It is not observed in the gnomAD v2.1.1 dataset. In silico tool predictions suggest damaging effect of the variant on gene or gene product (3CNET: 0.931>=0.75). A missense variant is a common mechanism. Therefore, this variant is classified as uncertain significance according to the recommendation of ACMG/AMP guideline.